The following is an entry in ClinVar:

NM_032043.3(BRIP1):c.1629-16C>T

Gene: BRIP1 (BRCA1 interacting DNA helicase 1; minus strand). Cytogenetic location: 17q23.2.
Variant type: single nucleotide variant.
Coding change: c.1629-16C>T on transcript NM_032043.3 (MANE Select); 16 bases into the intron before coding-DNA position 1629, C replaced by T.
Molecular consequence: intron variant.
Genome position (GRCh38, 1-based): chr17:61,781,021, G>A on the plus strand (C>T on the coding strand, the complement: BRIP1 is on the minus strand). VCF-style: chr17-61781021-G-A. GRCh37 (hg19) VCF-style: chr17-59858382-G-A.
Identifiers: ClinVar variation 3379352 (VCV003379352.1).
Genomic context (GRCh38, chr17:61,781,021, plus strand): 5'-CAGGAGTAAGTCTGTTGAATCGCAATTTTATAATCATCTGCAAATCTAGATGCAAAGAAA[G>A]TGCTAATTAAGTGGCAAAACTTTTAAAACCTATGACCCAGCTACATACAATATAAAAACT-3'

ClinVar aggregate classification (germline): Likely benign (1 of 4 stars; one submission).

Conditions:
Familial cancer of breast. Also called: hereditary breast carcinoma; Hereditary breast cancer; BREAST CANCER, FAMILIAL. Identifiers: Orphanet 227535, MedGen C0346153, MONDO:0016419, OMIM 114480. Disease mechanism: loss of function.

Submission:

Myriad Genetics, Inc.
Classification: Likely benign for Familial cancer of breast. Last evaluated: 2024-08-28. Review status: criteria provided, single submitter. Criteria: Myriad Autosomal Dominant, Autosomal Recessive and X-Linked Classification Criteria (2023). Collection method: clinical testing. Allele origin: unknown.
Comment: This variant is considered likely benign. This variant is intronic and is not expected to impact mRNA splicing.